The following is an entry in ClinVar:

ClinVar aggregate classification (germline): Uncertain significance (1 of 4 stars; one submission).

Conditions:
Early-infantile DEE. Also called: Early infantile epileptic encephalopathy; Ohtahara syndrome; Early infantile epileptic encephalopathy with suppression bursts. Identifiers: Orphanet 1934, MedGen C0393706, MONDO:0800491.

Allele frequency attached by ClinVar (database versions not stated): gnomAD exomes below 0.00001.
gnomAD v4.1: 1 of 1,613,936 alleles (0.000062%); highest among the groups gnomAD compares: Non-Finnish European, 0.000085%; no homozygotes.

Submission:

Labcorp Genetics (formerly Invitae), Labcorp
Classification: Uncertain significance for Early-infantile DEE. Last evaluated: 2024-10-23. Review status: criteria provided, single submitter. Criteria: Invitae Variant Classification Sherloc (09022015). Collection method: clinical testing. Allele origin: germline.
Comment: This sequence change replaces threonine, which is neutral and polar, with serine, which is neutral and polar, at codon 1906 of the SPTAN1 protein (p.Thr1906Ser). This variant is not present in population databases (gnomAD no frequency). This variant has not been reported in the literature in individuals affected with SPTAN1-related conditions. ClinVar contains an entry for this variant (Variation ID: 2000562). Invitae Evidence Modeling of protein sequence and biophysical properties (such as structural, functional, and spatial information, amino acid conservation, physicochemical variation, residue mobility, and thermodynamic stability) has been performed for this missense variant. However, the output from this modeling did not meet the statistical confidence thresholds required to predict the impact of this variant on SPTAN1 protein function. In summary, the available evidence is currently insufficient to determine the role of this variant in disease. Therefore, it has been classified as a Variant of Uncertain Significance.

NM_001130438.3(SPTAN1):c.5717C>G (p.Thr1906Ser)

Gene: SPTAN1 (spectrin alpha, non-erythrocytic 1; plus strand). Cytogenetic location: 9q34.11.
Variant type: single nucleotide variant.
Coding change: c.5717C>G on transcript NM_001130438.3 (MANE Select); coding-DNA position 5717, C replaced by G.
Protein change: p.Thr1906Ser; replaces threonine 1906 with serine.
Molecular consequence: missense variant.
Genome position (GRCh38, 1-based): chr9:128,618,987, C>G. VCF-style: chr9-128618987-C-G. GRCh37 (hg19) VCF-style: chr9-131381266-C-G.
Other names: c.5642C>G, p.Thr1881Ser (NM_001195532.2); c.5717C>G, p.Thr1906Ser (NM_001363759.2, NM_001375310.1, NM_001375311.2 and 1 more transcripts); c.5657C>G, p.Thr1886Ser (NM_001363765.2, NM_001375314.2); c.5753C>G, p.Thr1918Ser (NM_001375312.2, NM_001375318.1); c.5702C>G, p.Thr1901Ser (NM_003127.4); short protein forms T1881S, T1901S, T1906S, T1918S, T1886S.
Identifiers: ClinVar variation 2000562 (VCV002000562.4), dbSNP rs2541981192, ClinGen allele CA375078390.
Genomic context (GRCh38, chr9:128,618,987, plus strand): 5'-AGGAAGAAGCCTGGATCAATGAGAAAATGACCCTGGTGGCCAGCGAAGATTATGGCGACA[C>G]TCTTGCCGCCATCCAGGTGAGACAGAAACCAAAGGTGTCACCTGCTTTCTCTCTTGGCAA-3'
Protein context (NP_001123910.1, residues 1896-1916): TLVASEDYGD[Thr1906Ser]LAAIQGLLKK